The following is an entry in ClinVar:

ClinVar aggregate classification (germline): Benign. Review status: criteria provided, multiple submitters, no conflicts (2 of 4 stars). 2 submissions from 2 submitters: Benign (2). Last evaluated 2017-04-27.

Conditions:
Amyotrophic neuralgia (HNA). Also called: AMYOTROPHY, HEREDITARY NEURALGIC; Hereditary Brachial Plexus Neuropathy; Neuritis with Brachial Predilection; AMYOTROPHY, HEREDITARY NEURALGIC, WITH PREDILECTION FOR BRACHIAL PLEXUS. Identifiers: Orphanet 2901, MedGen C1834304, MONDO:0008076, OMIM 162100.

Allele frequency attached by ClinVar (database versions not stated): 1000 Genomes Project 30x 0.01031; 1000 Genomes Project 0.01078; gnomAD 0.01291 and 0.01384; TOPMed 0.01305; gnomAD exomes 0.01767 and 0.01989; ExAC 0.03702.
gnomAD v4.1: 9,683 of 535,896 alleles (1.8%); highest among the groups gnomAD compares: Middle Eastern, 4%; 148 homozygotes.

Submissions (2):

Illumina Laboratory Services, Illumina
Classification: Benign for Amyotrophy, hereditary neuralgic. Last evaluated: 2017-04-27. Review status: criteria provided, single submitter. Criteria: ICSL Variant Classification Criteria 13 December 2019. Collection method: clinical testing. Allele origin: germline.
Comment: This variant was observed as part of a predisposition screen in an ostensibly healthy population. A literature search was performed for the gene, cDNA change, and amino acid change (where applicable). No publications were found based on this search. Allele frequency data from public databases was too high to be consistent with this variant causing disease. Therefore, this variant is classified as benign.

Breakthrough Genomics
Classification: Benign. Review status: criteria provided, single submitter. Criteria: ACMG Guidelines, 2015. Collection method: not provided. Allele origin: germline. Inheritance: Autosomal dominant inheritance. Affected: yes.

NM_001113491.2(SEPTIN9):c.*783A>G

Gene: SEPTIN9 (septin 9; plus strand). Cytogenetic location: 17q25.3.
Variant type: single nucleotide variant.
Coding change: c.*783A>G on transcript NM_001113491.2 (MANE Select); 783 bases downstream of the stop codon, A replaced by G.
Molecular consequence: 3 prime UTR variant.
Genome position (GRCh38, 1-based): chr17:77,499,441, A>G. VCF-style: chr17-77499441-A-G. GRCh37 (hg19) VCF-style: chr17-75495523-A-G.
Other names: c.*783A>G (NM_001113492.2, NM_001113493.2, NM_001113494.1 and 7 more transcripts).
Identifiers: ClinVar variation 325598 (VCV000325598.6), dbSNP rs76051887, ClinGen allele CA8794046.